The following is an entry in ClinVar:

ClinVar aggregate classification (germline): Likely benign (0 of 4 stars; one submission).

Conditions:
PUS7-related disorder. Also called: PUS7-related condition.

Allele frequency attached by ClinVar (database versions not stated): gnomAD 0.00025; TOPMed 0.00029; gnomAD exomes 0.00003; ExAC 0.00013; 1000 Genomes Project 30x 0.00016; 1000 Genomes Project 0.00020; ESP Exome Variant Server 0.00023.
gnomAD v4.1: 74 of 1,614,080 alleles (0.0046%); highest among the groups gnomAD compares: African/African-American, 0.099%; no homozygotes.

Submission:

PreventionGenetics, part of Exact Sciences
Classification: Likely benign for PUS7-related condition. Last evaluated: 2019-09-19. Review status: no assertion criteria provided. Collection method: clinical testing. Allele origin: germline.
Comment: This variant is classified as likely benign based on ACMG/AMP sequence variant interpretation guidelines (Richards et al. 2015 PMID: 25741868, with internal and published modifications).

NM_019042.5(PUS7):c.165T>C (p.Ser55=)

Gene: PUS7 (pseudouridine synthase 7; minus strand). Cytogenetic location: 7q22.3.
Variant type: single nucleotide variant.
Coding change: c.165T>C on transcript NM_019042.5 (MANE Select); coding-DNA position 165, T replaced by C.
Protein change: p.Ser55=; no amino-acid change (serine 55 retained).
Molecular consequence: synonymous variant.
Genome position (GRCh38, 1-based): chr7:105,508,348, A>G on the plus strand (T>C on the coding strand, the complement: PUS7 is on the minus strand). VCF-style: chr7-105508348-A-G. GRCh37 (hg19) VCF-style: chr7-105148795-A-G.
Other names: c.165T>C, p.Ser55= (NM_001318163.1, NM_001318164.2).
Identifiers: ClinVar variation 3040846 (VCV003040846.2), dbSNP rs145057276, ClinGen allele CA4426257.